The following is an entry in ClinVar:

NM_001378457.1(DMXL2):c.299A>T (p.Gln100Leu)

Gene: DMXL2 (Dmx like 2; minus strand). Cytogenetic location: 15q21.2.
Variant type: single nucleotide variant.
Coding change: c.299A>T on transcript NM_001378457.1 (MANE Select); coding-DNA position 299, A replaced by T.
Protein change: p.Gln100Leu; replaces glutamine 100 with leucine.
Molecular consequence: missense variant. On other transcripts: non-coding transcript variant (2).
Genome position (GRCh38, 1-based): chr15:51,565,153, T>A on the plus strand (A>T on the coding strand, the complement: DMXL2 is on the minus strand). VCF-style: chr15-51565153-T-A. GRCh37 (hg19) VCF-style: chr15-51857350-T-A.
Other names: c.299A>T, p.Gln100Leu (NM_001174116.3, NM_001174117.3, NM_001378458.1 and 7 more transcripts); short protein forms Q100L.
Identifiers: ClinVar variation 1312298 (VCV001312298.2), dbSNP rs2141049474, ClinGen allele CA392756985.

ClinVar aggregate classification (germline): Uncertain significance (1 of 4 stars; one submission).

Submission:

GeneDx
Classification: Uncertain significance. Last evaluated: 2020-01-14. Review status: criteria provided, single submitter. Criteria: GeneDx Variant Classification Process June 2021. Collection method: clinical testing. Allele origin: germline. Affected: yes.
Comment: Not observed in large population cohorts (Lek et al., 2016); In silico analysis, which includes protein predictors and evolutionary conservation, supports a deleterious effect; Has not been previously published as pathogenic or benign to our knowledge; Variants in candidate genes are classified as variants of uncertain significance in accordance with ACMG guidelines (Richards et al., 2015)